The following is an entry in ClinVar:

ClinVar aggregate classification (germline): Uncertain significance (1 of 4 stars; one submission).

Conditions:
Inborn genetic diseases. Identifiers: MedGen C0950123, MeSH D030342.

Submission:

Ambry Genetics
Classification: Uncertain significance for Inborn genetic diseases. Last evaluated: 2025-08-12. Review status: criteria provided, single submitter. Criteria: Ambry Variant Classification Scheme 2023. Collection method: clinical testing. Allele origin: germline.
Comment: The c.1521T>G (p.H507Q) alteration is located in exon 11 (coding exon 10) of the GLI3 gene. This alteration results from a T to G substitution at nucleotide position 1521, causing the histidine (H) at amino acid position 507 to be replaced by a glutamine (Q). This variant was not reported in population-based cohorts in the Genome Aggregation Database (gnomAD). This amino acid position is highly conserved in available vertebrate species. This missense alteration is located in a region that has a low rate of benign missense variation (Lek, 2016; Firth, 2009). This alteration is predicted to be deleterious by in silico analysis. Based on insufficient or conflicting evidence, the clinical significance of this alteration remains unclear.

NM_000168.6(GLI3):c.1521T>G (p.His507Gln)

Gene: GLI3 (GLI family zinc finger 3; minus strand). Cytogenetic location: 7p14.1.
Variant type: single nucleotide variant.
Coding change: c.1521T>G on transcript NM_000168.6 (MANE Select); coding-DNA position 1521, T replaced by G.
Protein change: p.His507Gln; replaces histidine 507 with glutamine.
Molecular consequence: missense variant.
Genome position (GRCh38, 1-based): chr7:41,978,725, A>C on the plus strand (T>G on the coding strand, the complement: GLI3 is on the minus strand). VCF-style: chr7-41978725-A-C. GRCh37 (hg19) VCF-style: chr7-42018324-A-C.
Other names: short protein forms H507Q.
Identifiers: ClinVar variation 4030148 (VCV004030148.2).